The following is an entry in ClinVar:

NM_005506.4(SCARB2):c.1210A>G (p.Met404Val)

Gene: SCARB2 (scavenger receptor class B member 2; minus strand). Cytogenetic location: 4q21.1.
Variant type: single nucleotide variant.
Coding change: c.1210A>G on transcript NM_005506.4 (MANE Select); coding-DNA position 1210, A replaced by G.
Protein change: p.Met404Val; replaces methionine 404 with valine.
Molecular consequence: missense variant.
Genome position (GRCh38, 1-based): chr4:76,166,279, T>C on the plus strand (A>G on the coding strand, the complement: SCARB2 is on the minus strand). VCF-style: chr4-76166279-T-C. GRCh37 (hg19) VCF-style: chr4-77087432-T-C.
Other names: p.Met404Val; c.781A>G, p.Met261Val (NM_001204255.2); short protein forms M404V, M261V.
Identifiers: ClinVar variation 657220 (VCV000657220.17), dbSNP rs147142116, ClinGen allele CA2970155.
Genomic context (GRCh38, chr4:76,166,279, plus strand): 5'-CACCCGTGGCTCCCTCCGTCTCAGGACTTACCTCATTGAGGTACATCACTGGGAAAACCA[T>C]GGTTCTAATGTCTCCCGTTTCACTACAAAGACAAAGGATGAGATTGTTTCAGAAACATCC-3'
Protein context (NP_005497.1, residues 394-414): DFVETGDIRT[Met404Val]VFPVMYLNES

ClinVar aggregate classification (germline): Conflicting classifications of pathogenicity. Review status: criteria provided, conflicting classifications (1 of 4 stars). 8 submissions from 8 submitters: Uncertain significance (6); Likely benign (1). 1 of the submissions does not count toward it. Last evaluated 2025-06-03.

Conditions:
Progressive myoclonic epilepsy. Also called: Myoclonus epilepsy; Familial progressive myoclonic epilepsy; Myoclonic Epilepsies, Progressive; Progressive myoclonus epilepsy. Identifiers: Orphanet 308, Orphanet 98261, MedGen C0751778, MONDO:0020074.
SCARB2-related disorder. Also called: SCARB2-related condition.
Inborn genetic diseases. Identifiers: MedGen C0950123, MeSH D030342.
Action myoclonus-renal failure syndrome. Also called: MYOCLONUS-NEPHROPATHY SYNDROME; EPILEPSY, PROGRESSIVE MYOCLONIC, 4, WITH RENAL FAILURE; EPILEPSY, PROGRESSIVE MYOCLONIC, 4, WITHOUT RENAL FAILURE; SCARB2-Related Action Myoclonus-Renal Failure Syndrome. Identifiers: Orphanet 163696, MedGen C0751779, MeSH D020191, MONDO:0009699, OMIM 254900.

Allele frequency attached by ClinVar (database versions not stated): 1000 Genomes Project 0.00060; 1000 Genomes Project 30x 0.00078; ExAC 0.00008; ESP Exome Variant Server 0.00008; gnomAD exomes 0.00005 and 0.00016; gnomAD 0.00011 and 0.00013; TOPMed 0.00013.
gnomAD v4.1: 112 of 1,614,188 alleles (0.0069%); highest among the groups gnomAD compares: East Asian, 0.11%; no homozygotes.

Submissions (8):

Mayo Clinic Laboratories, Mayo Clinic
Classification: Likely benign. Last evaluated: 2025-06-03. Review status: criteria provided, single submitter. Criteria: ACMG Guidelines, 2015. Collection method: clinical testing. Allele origin: germline. Observed: 1 variant allele.
Comment: BS1, BP4_moderate

Blueprint Genetics
Classification: Uncertain significance. Last evaluated: 2024-10-04. Review status: criteria provided, single submitter. Criteria: ACMG Guidelines, 2015. Collection method: clinical testing. Allele origin: germline.

Fulgent Genetics
Classification: Uncertain significance for Action myoclonus-renal failure syndrome. Last evaluated: 2024-03-18. Review status: criteria provided, single submitter. Criteria: ACMG Guidelines, 2015. Collection method: clinical testing. Allele origin: germline.

Labcorp Genetics (formerly Invitae), Labcorp
Classification: Uncertain significance for Progressive myoclonic epilepsy. Last evaluated: 2022-07-23. Review status: criteria provided, single submitter. Criteria: Invitae Variant Classification Sherloc (09022015). Collection method: clinical testing. Allele origin: germline.
Comment: This sequence change replaces methionine, which is neutral and non-polar, with valine, which is neutral and non-polar, at codon 404 of the SCARB2 protein (p.Met404Val). This variant is present in population databases (rs147142116, gnomAD 0.2%). This variant has not been reported in the literature in individuals affected with SCARB2-related conditions. ClinVar contains an entry for this variant (Variation ID: 657220). Algorithms developed to predict the effect of missense changes on protein structure and function (SIFT, PolyPhen-2, Align-GVGD) all suggest that this variant is likely to be tolerated. In summary, the available evidence is currently insufficient to determine the role of this variant in disease. Therefore, it has been classified as a Variant of Uncertain Significance.

GeneDx
Classification: Uncertain significance. Last evaluated: 2020-06-12. Review status: criteria provided, single submitter. Criteria: GeneDx Variant Classification Process June 2021. Collection method: clinical testing. Allele origin: germline. Affected: yes.
Comment: Has not been previously published as pathogenic or benign to our knowledge

Ambry Genetics
Classification: Uncertain significance for Inborn genetic diseases. Last evaluated: 2017-06-27. Review status: criteria provided, single submitter. Criteria: Ambry Variant Classification Scheme 2023. Collection method: clinical testing. Allele origin: germline.
Comment: The p.M404V variant (also known as c.1210A>G), located in coding exon 10 of the SCARB2 gene, results from an A to G substitution at nucleotide position 1210. The methionine at codon 404 is replaced by valine, an amino acid with highly similar properties. This amino acid position is poorly conserved in available vertebrate species, and valine is the reference amino acid in other vertebrate species. In addition, this alteration is predicted to be tolerated by in silico analysis. Since supporting evidence is limited at this time, the clinical significance of this alteration remains unclear.

Breakthrough Genomics
Classification: Uncertain significance. Review status: criteria provided, single submitter. Criteria: ACMG Guidelines, 2015. Collection method: not provided. Allele origin: germline. Inheritance: Autosomal recessive inheritance. Affected: yes.

PreventionGenetics, part of Exact Sciences
Classification: Likely benign for SCARB2-related condition. Last evaluated: 2022-01-31. Review status: no assertion criteria provided. Collection method: clinical testing. Allele origin: germline. Not counted in ClinVar's aggregate classification.
Comment: This variant is classified as likely benign based on ACMG/AMP sequence variant interpretation guidelines (Richards et al. 2015 PMID: 25741868, with internal and published modifications).

Literature cited by the submitters: PubMed 34867278 (cited by Mayo Clinic Laboratories, Mayo Clinic).